The following is an entry in ClinVar:

ClinVar aggregate classification (germline): Likely benign. Review status: criteria provided, multiple submitters, no conflicts (2 of 4 stars). 2 submissions from 2 submitters: Likely benign (2). Last evaluated 2025-10-15.

Conditions:
RAI1-related disorder. Also called: RAI1-related condition.

Allele frequency attached by ClinVar (database versions not stated): gnomAD 0.00001; gnomAD exomes 0.00001 and 0.00004; ExAC 0.00003.
gnomAD v4.1: 13 of 1,614,080 alleles (0.00081%); highest among the groups gnomAD compares: Admixed American, 0.01%; no homozygotes.

Submissions (2):

PreventionGenetics, part of Exact Sciences
Classification: Likely benign for RAI1-related condition. Last evaluated: 2025-10-15. Review status: criteria provided, single submitter. Criteria: ACMG Guidelines, 2015. Collection method: clinical testing. Allele origin: germline.
Comment: This variant is classified as likely benign based on ACMG/AMP sequence variant interpretation guidelines (Richards et al. 2015 PMID: 25741868, with internal and published modifications).

Labcorp Genetics (formerly Invitae), Labcorp
Classification: Likely benign. Last evaluated: 2024-10-26. Review status: criteria provided, single submitter. Criteria: Invitae Variant Classification Sherloc (09022015). Collection method: clinical testing. Allele origin: germline.

NM_030665.4(RAI1):c.4809G>A (p.Lys1603=)

Gene: RAI1 (retinoic acid induced 1; plus strand). Cytogenetic location: 17p11.2.
Variant type: single nucleotide variant.
Coding change: c.4809G>A on transcript NM_030665.4 (MANE Select); coding-DNA position 4809, G replaced by A.
Protein change: p.Lys1603=; no amino-acid change (lysine 1603 retained).
Molecular consequence: synonymous variant.
Genome position (GRCh38, 1-based): chr17:17,797,757, G>A. VCF-style: chr17-17797757-G-A. GRCh37 (hg19) VCF-style: chr17-17701071-G-A.
Other names: c.4809G>A (NM_030665.3).
Identifiers: ClinVar variation 1623895 (VCV001623895.10), dbSNP rs770529367, ClinGen allele CA8419031.